The following is an entry in ClinVar:

NM_024580.6(EFL1):c.247A>G (p.Asn83Asp)

Gene: EFL1 (elongation factor like GTPase 1; minus strand). Cytogenetic location: 15q25.2.
Variant type: single nucleotide variant.
Coding change: c.247A>G on transcript NM_024580.6 (MANE Select); coding-DNA position 247, A replaced by G.
Protein change: p.Asn83Asp; replaces asparagine 83 with aspartic acid.
Molecular consequence: missense variant. On other transcripts: 5 prime UTR variant (1), non-coding transcript variant (1).
Genome position (GRCh38, 1-based): chr15:82,241,401, T>C on the plus strand (A>G on the coding strand, the complement: EFL1 is on the minus strand). VCF-style: chr15-82241401-T-C. GRCh37 (hg19) VCF-style: chr15-82533742-T-C.
Other names: p.Asn83Asp; c.94A>G, p.Asn32Asp (NM_001040610.3); c.-543A>G (NM_001322844.2); c.247A>G, p.Asn83Asp (NM_001322845.2); short protein forms N32D, N83D.
Identifiers: ClinVar variation 787124 (VCV000787124.14), dbSNP rs140669013, ClinGen allele CA7698324.

ClinVar aggregate classification (germline): Benign/Likely benign. Review status: criteria provided, multiple submitters, no conflicts (2 of 4 stars). 4 submissions from 4 submitters: Benign (3); Likely benign (1). Last evaluated 2026-01-28.

Allele frequency attached by ClinVar (database versions not stated): ExAC 0.00365; 1000 Genomes Project 0.00958; 1000 Genomes Project 30x 0.01140; gnomAD 0.01142 and 0.01217; ESP Exome Variant Server 0.01169; TOPMed 0.01306; gnomAD exomes 0.00295.
gnomAD v4.1: 3,662 of 1,612,490 alleles (0.23%); highest among the groups gnomAD compares: African/African-American, 4.2%; 93 homozygotes.

Submissions (4):

Labcorp Genetics (formerly Invitae), Labcorp
Classification: Benign. Last evaluated: 2026-01-28. Review status: criteria provided, single submitter. Criteria: Invitae Variant Classification Sherloc (09022015). Collection method: clinical testing. Allele origin: germline.

Women's Health and Genetics/Laboratory Corporation of America, LabCorp
Classification: Likely benign. Last evaluated: 2026-01-22. Review status: criteria provided, single submitter. Criteria: LabCorp Variant Classification Summary - May 2015. Collection method: clinical testing. Allele origin: germline.

Mayo Clinic Laboratories, Mayo Clinic
Classification: Benign. Last evaluated: 2023-11-15. Review status: criteria provided, single submitter. Criteria: ACMG Guidelines, 2015. Collection method: clinical testing. Allele origin: germline. Observed: 15 variant alleles.
Comment: BS1, BS2, BP4

Breakthrough Genomics
Classification: Benign. Review status: criteria provided, single submitter. Criteria: ACMG Guidelines, 2015. Collection method: not provided. Allele origin: germline. Inheritance: Autosomal recessive inheritance. Affected: yes.